The following is an entry in ClinVar:

ClinVar aggregate classification (germline): Uncertain significance. Review status: criteria provided, multiple submitters, no conflicts (2 of 4 stars). 5 submissions from 5 submitters: Uncertain significance (4). 1 of the submissions does not count toward it. Last evaluated 2024-10-24.

Conditions:
Hyperkalemic periodic paralysis. Also called: Familial hyperkalemic periodic paralysis; Gamstorp disease. Identifiers: Orphanet 682, MedGen C0238357, MONDO:0008224, OMIM 170500, HP:0007215.
Congenital myasthenic syndrome 16. Identifiers: Orphanet 590, MedGen C3280112, MONDO:0013620, OMIM 614198.
Hypokalemic periodic paralysis, type 1. Also called: Hypokalemic Periodic Paralysis Type 1 (AD); HypoPP. Identifiers: Orphanet 681, MedGen C3714580, MONDO:0042979, OMIM 170400.
Paramyotonia congenita of Von Eulenburg. Also called: Myotonia congenita intermittens; Von Eulenburg paramyotonia congenita; Paramyotonia Congenita; PARALYSIS PERIODICA PARAMYOTONICA; Eulenburg disease. Identifiers: Orphanet 684, MedGen C0221055, MONDO:0008195, OMIM 168300. Disease mechanism: loss of function.
Hypokalemic periodic paralysis, type 2 (HOKPP2). Identifiers: Orphanet 681, MedGen C2750061, MONDO:0013234, OMIM 613345.
Potassium-aggravated myotonia. Also called: Myotonia congenita, atypical, acetazolamide-responsive; MYOTONIA CONGENITA, ACETAZOLAMIDE-RESPONSIVE; MYOTONIA CONGENITA, ATYPICAL; SODIUM CHANNEL MUSCLE DISEASE. Identifiers: Orphanet 612, Orphanet 99734, Orphanet 99735, Orphanet 99736, MedGen C2931826, MONDO:0018959, OMIM 608390.

Allele frequency attached by ClinVar (database versions not stated): ExAC 0.00001; gnomAD 0.00003 and 0.00002; TOPMed 0.00006; gnomAD exomes below 0.00001.
gnomAD v4.1: 10 of 1,610,854 alleles (0.00062%); highest among the groups gnomAD compares: Admixed American, 0.005%; no homozygotes.

Submissions (5):

Labcorp Genetics (formerly Invitae), Labcorp
Classification: Uncertain significance for Hyperkalemic periodic paralysis. Last evaluated: 2024-10-24. Review status: criteria provided, single submitter. Criteria: Invitae Variant Classification Sherloc (09022015). Collection method: clinical testing. Allele origin: germline.
Comment: This sequence change replaces valine, which is neutral and non-polar, with methionine, which is neutral and non-polar, at codon 253 of the SCN4A protein (p.Val253Met). This variant is present in population databases (rs772899378, gnomAD no frequency). This variant has not been reported in the literature in individuals affected with SCN4A-related conditions. ClinVar contains an entry for this variant (Variation ID: 591760). Invitae Evidence Modeling of protein sequence and biophysical properties (such as structural, functional, and spatial information, amino acid conservation, physicochemical variation, residue mobility, and thermodynamic stability) indicates that this missense variant is expected to disrupt SCN4A protein function with a positive predictive value of 80%. In summary, the available evidence is currently insufficient to determine the role of this variant in disease. Therefore, it has been classified as a Variant of Uncertain Significance.

Athena Diagnostics
Classification: Uncertain significance. Last evaluated: 2023-06-28. Review status: criteria provided, single submitter. Criteria: Athena Diagnostics Criteria. Collection method: clinical testing. Allele origin: unknown.
Comment: Available data are insufficient to determine the clinical significance of the variant at this time. The frequency of this variant in the general population is uninformative in assessment of its pathogenicity. Computational tools predict that this variant is damaging.

Fulgent Genetics
Classification: Uncertain significance for Paramyotonia congenita of Von Eulenburg; Hypokalemic periodic paralysis, type 1; Hyperkalemic periodic paralysis; Potassium-aggravated myotonia; Hypokalemic periodic paralysis, type 2; Congenital myasthenic syndrome 16. Last evaluated: 2022-03-04. Review status: criteria provided, single submitter. Criteria: ACMG Guidelines, 2015. Collection method: clinical testing. Allele origin: unknown.

Revvity Omics, Revvity
Classification: Uncertain significance. Last evaluated: 2019-10-24. Review status: criteria provided, single submitter. Criteria: ACMG Guidelines, 2015. Collection method: clinical testing. Allele origin: germline.

Gharavi Laboratory, Columbia University
Classification: Uncertain significance. Last evaluated: 2018-09-16. Review status: no assertion criteria provided. Criteria: ACMG Guidelines, 2015. Collection method: research. Allele origin: germline. Affected: yes. Not counted in ClinVar's aggregate classification.

NM_000334.4(SCN4A):c.757G>A (p.Val253Met)

Gene: SCN4A (sodium voltage-gated channel alpha subunit 4; minus strand). Cytogenetic location: 17q23.3.
Variant type: single nucleotide variant.
Coding change: c.757G>A on transcript NM_000334.4 (MANE Select); coding-DNA position 757, G replaced by A.
Protein change: p.Val253Met; replaces valine 253 with methionine.
Molecular consequence: missense variant.
Genome position (GRCh38, 1-based): chr17:63,968,302, C>T on the plus strand (G>A on the coding strand, the complement: SCN4A is on the minus strand). VCF-style: chr17-63968302-C-T. GRCh37 (hg19) VCF-style: chr17-62045662-C-T.
Other names: short protein forms V253M.
Identifiers: ClinVar variation 591760 (VCV000591760.13), dbSNP rs772899378, ClinGen allele CA8710044.